The following is an entry in ClinVar:

ClinVar aggregate classification (germline): Uncertain significance (1 of 4 stars; one submission).

Conditions:
LRRC45-related disorder. Also called: LRRC45-related condition.

gnomAD v4.1: 4 of 1,572,182 alleles (0.00025%); highest among the groups gnomAD compares: Non-Finnish European, 0.00034%; no homozygotes.

Submission:

PreventionGenetics, part of Exact Sciences
Classification: Uncertain significance for LRRC45-related condition. Last evaluated: 2024-12-18. Review status: criteria provided, single submitter. Criteria: ACMG Guidelines, 2015. Collection method: clinical testing. Allele origin: germline.
Comment: The LRRC45 c.286A>T variant is predicted to result in the amino acid substitution p.Asn96Tyr. To our knowledge, this variant has not been reported in the literature. This variant is reported in 0.0020% of alleles in individuals of European (Non-Finnish) descent in gnomAD. At this time, the clinical significance of this variant is uncertain due to the absence of conclusive functional and genetic evidence.

NM_144999.4(LRRC45):c.286A>T (p.Asn96Tyr)

Gene: LRRC45 (leucine rich repeat containing 45; plus strand). Cytogenetic location: 17q25.3.
Variant type: single nucleotide variant.
Coding change: c.286A>T on transcript NM_144999.4 (MANE Select); coding-DNA position 286, A replaced by T.
Protein change: p.Asn96Tyr; replaces asparagine 96 with tyrosine.
Molecular consequence: missense variant.
Genome position (GRCh38, 1-based): chr17:82,024,696, A>T. VCF-style: chr17-82024696-A-T. GRCh37 (hg19) VCF-style: chr17-79982572-A-T.
Other names: short protein forms N96Y.
Identifiers: ClinVar variation 4999441 (VCV004999441.1).
Genomic context (GRCh38, chr17:82,024,696, plus strand): 5'-CGGGAATTCAGAGCCAGTCAGGGCACGCGAGTGACTACCGGCCTGTTTCTCTCCTAGGGC[A>T]ACAACCTTCGGGCTGCAGGGGCCGAGGCTCTGGGAAAACTCCTCCAACAGAACAAGTCCA-3'
Protein context (NP_659436.1, residues 86-106): TVLRFLDLKG[Asn96Tyr]NLRAAGAEAL